The following is an entry in ClinVar:

ClinVar aggregate classification (germline): Likely benign. Review status: criteria provided, multiple submitters, no conflicts (2 of 4 stars). 3 submissions from 3 submitters: Likely benign (3). Last evaluated 2026-08-31.

Conditions:
Inborn genetic diseases. Identifiers: MedGen C0950123, MeSH D030342.
Tatton-Brown-Rahman overgrowth syndrome. Also called: Tatton-Brown-Rahman syndrome; Tall stature-intellectual disability-facial dysmorphism syndrome. Identifiers: Orphanet 404443, MedGen C4014545, MONDO:0014382, OMIM 615879.
DNMT3A-related disorder. Also called: DNMT3A-related disorders; DNMT3A-related condition.

gnomAD v4.1: 3 of 1,613,928 alleles (0.00019%); highest among the groups gnomAD compares: Non-Finnish European, 0.00025%; no homozygotes.

Submissions (3):

PreventionGenetics, part of Exact Sciences
Classification: Likely benign for DNMT3A-related condition. Last evaluated: 2026-08-31. Review status: criteria provided, single submitter. Criteria: ACMG Guidelines, 2015. Collection method: clinical testing. Allele origin: germline.
Comment: This variant is classified as likely benign based on ACMG/AMP sequence variant interpretation guidelines (Richards et al. 2015 PMID: 25741868, with internal and published modifications).

Labcorp Genetics (formerly Invitae), Labcorp
Classification: Likely benign for Tatton-Brown-Rahman overgrowth syndrome. Last evaluated: 2025-11-13. Review status: criteria provided, single submitter. Criteria: Invitae Variant Classification Sherloc (09022015). Collection method: clinical testing. Allele origin: germline.

Ambry Genetics
Classification: Likely benign for Inborn genetic diseases. Last evaluated: 2024-12-03. Review status: criteria provided, single submitter. Criteria: Ambry Variant Classification Scheme 2023. Collection method: clinical testing. Allele origin: germline.

NM_022552.5(DNMT3A):c.2397C>T (p.Pro799=)

Gene: DNMT3A (DNA methyltransferase 3 alpha; minus strand). Cytogenetic location: 2p23.3.
Variant type: single nucleotide variant.
Coding change: c.2397C>T on transcript NM_022552.5 (MANE Select); coding-DNA position 2397, C replaced by T.
Protein change: p.Pro799=; no amino-acid change (proline 799 retained).
Molecular consequence: synonymous variant. On other transcripts: non-coding transcript variant (1).
Genome position (GRCh38, 1-based): chr2:25,239,141, G>A on the plus strand (C>T on the coding strand, the complement: DNMT3A is on the minus strand). VCF-style: chr2-25239141-G-A. GRCh37 (hg19) VCF-style: chr2-25462010-G-A.
Other names: c.1830C>T, p.Pro610= (NM_153759.3); c.2397C>T, p.Pro799= (NM_175629.2); c.1941C>T, p.Pro647= (NM_001320893.1); c.1728C>T, p.Pro576= (NM_001375819.1).
Identifiers: ClinVar variation 3504246 (VCV003504246.3).